The following is an entry in ClinVar:

ClinVar aggregate classification (germline): Uncertain significance (1 of 4 stars; one submission).

Conditions:
Cardiovascular phenotype. Identifiers: MedGen CN230736.

Allele frequency attached by ClinVar (database versions not stated): TOPMed 0.00001.
gnomAD v4.1: 2 of 1,614,102 alleles (0.00012%); highest among the groups gnomAD compares: African/African-American, 0.0027%; no homozygotes.

Submission:

Ambry Genetics
Classification: Uncertain significance for Cardiovascular phenotype. Last evaluated: 2024-02-24. Review status: criteria provided, single submitter. Criteria: Ambry Variant Classification Scheme 2023. Collection method: clinical testing. Allele origin: germline.
Comment: The p.G1253V variant (also known as c.3758G>T), located in coding exon 31 of the ANK2 gene, results from a G to T substitution at nucleotide position 3758. The glycine at codon 1253 is replaced by valine, an amino acid with dissimilar properties. This amino acid position is conserved. In addition, this alteration is predicted to be deleterious by in silico analysis. Based on the available evidence, the clinical significance of this alteration remains unclear.

NM_001148.6(ANK2):c.3758G>T (p.Gly1253Val)

Gene: ANK2 (ankyrin 2; plus strand). Cytogenetic location: 4q26.
Variant type: single nucleotide variant.
Coding change: c.3758G>T on transcript NM_001148.6 (MANE Select); coding-DNA position 3758, G replaced by T.
Protein change: p.Gly1253Val; replaces glycine 1253 with valine.
Molecular consequence: missense variant.
Genome position (GRCh38, 1-based): chr4:113,336,743, G>T. VCF-style: chr4-113336743-G-T. GRCh37 (hg19) VCF-style: chr4-114257899-G-T.
Other names: c.3731G>T, p.Gly1244Val (NM_001127493.3); c.3770G>T, p.Gly1257Val (NM_001354225.2); c.3659G>T, p.Gly1220Val (NM_001354228.2, NM_001354258.2); c.3737G>T, p.Gly1246Val (NM_001354230.2); c.3800G>T, p.Gly1267Val (NM_001354231.2, NM_001354242.2); c.3794G>T, p.Gly1265Val (NM_001354232.2); c.3755G>T, p.Gly1252Val (NM_001354235.2, NM_001354246.2, NM_001354265.2); c.3656G>T, p.Gly1219Val (NM_001354236.2); and 31 more; short protein forms G1092V, G1125V, G1153V, G1158V, G1166V, G1178V, G1182V, G1186V.
Identifiers: ClinVar variation 3220977 (VCV003220977.1), dbSNP rs1258421684, ClinGen allele CA357938827.